The following is an entry in ClinVar:

ClinVar aggregate classification (germline): Uncertain significance (1 of 4 stars; one submission).

Allele frequency attached by ClinVar (database versions not stated): gnomAD exomes below 0.00001; TOPMed 0.00001; gnomAD 0.00002.
gnomAD v4.1: 4 of 1,614,068 alleles (0.00025%); highest among the groups gnomAD compares: Middle Eastern, 0.016%; no homozygotes.

Submission:

Labcorp Genetics (formerly Invitae), Labcorp
Classification: Uncertain significance. Last evaluated: 2022-08-22. Review status: criteria provided, single submitter. Criteria: Invitae Variant Classification Sherloc (09022015). Collection method: clinical testing. Allele origin: germline.
Comment: This sequence change replaces valine, which is neutral and non-polar, with methionine, which is neutral and non-polar, at codon 684 of the LOXL3 protein (p.Val684Met). This variant is not present in population databases (gnomAD no frequency). This variant has not been reported in the literature in individuals affected with LOXL3-related conditions. Algorithms developed to predict the effect of missense changes on protein structure and function are either unavailable or do not agree on the potential impact of this missense change (SIFT: "Deleterious"; PolyPhen-2: "Probably Damaging"; Align-GVGD: "Class C0"). In summary, the available evidence is currently insufficient to determine the role of this variant in disease. Therefore, it has been classified as a Variant of Uncertain Significance.

NM_032603.5(LOXL3):c.2050G>A (p.Val684Met)

Gene: LOXL3 (lysyl oxidase like 3; minus strand). Cytogenetic location: 2p13.1.
Variant type: single nucleotide variant.
Coding change: c.2050G>A on transcript NM_032603.5 (MANE Select); coding-DNA position 2050, G replaced by A.
Protein change: p.Val684Met; replaces valine 684 with methionine.
Molecular consequence: missense variant.
Genome position (GRCh38, 1-based): chr2:74,534,126, C>T on the plus strand (G>A on the coding strand, the complement: LOXL3 is on the minus strand). VCF-style: chr2-74534126-C-T. GRCh37 (hg19) VCF-style: chr2-74761253-C-T.
Other names: c.1615G>A, p.Val539Met (NM_001289164.3); c.967G>A, p.Val323Met (NM_001289165.2); short protein forms V684M, V539M, V323M.
Identifiers: ClinVar variation 2122581 (VCV002122581.1), dbSNP rs1156821859, ClinGen allele CA347384297.